The following is an entry in ClinVar:

ClinVar aggregate classification (germline): Uncertain significance (1 of 4 stars; one submission).

Conditions:
COG5-congenital disorder of glycosylation. Also called: CONGENITAL DISORDER OF GLYCOSYLATION, TYPE IIi; COG5-CDG; CDG IIi. Identifiers: Orphanet 263487, MedGen C3150876, MONDO:0013325, OMIM 613612.

Submission:

Broad Center for Mendelian Genomics, Broad Institute of MIT and Harvard
Classification: Uncertain significance for COG5-congenital disorder of glycosylation. Last evaluated: 2018-11-15. Review status: criteria provided, single submitter. Criteria: ACMG Guidelines, 2015. Collection method: research. Allele origin: germline. Inheritance: Autosomal recessive inheritance. Affected: yes.
Comment: This variant was absent from large population studies. Computational prediction tools and conservation analyses suggest that this variant may impact the protein, though this information is not predictive enough to determine pathogenicity. In summary, the clinical significance of the p.Leu351Pro variant is uncertain.

NM_006348.5(COG5):c.959T>C (p.Leu320Pro)

Gene: COG5 (component of oligomeric golgi complex 5; minus strand). Cytogenetic location: 7q22.3.
Variant type: single nucleotide variant.
Coding change: c.959T>C on transcript NM_006348.5 (MANE Select); coding-DNA position 959, T replaced by C.
Protein change: p.Leu320Pro; replaces leucine 320 with proline.
Molecular consequence: missense variant. On other transcripts: intron variant (1).
Genome position (GRCh38, 1-based): chr7:107,362,100, A>G on the plus strand (T>C on the coding strand, the complement: COG5 is on the minus strand). VCF-style: chr7-107362100-A-G. GRCh37 (hg19) VCF-style: chr7-107002545-A-G.
Other names: c.959T>C, p.Leu320Pro (NM_001161520.2, NM_001379511.1, NM_001379512.1 and 3 more transcripts); c.245T>C, p.Leu82Pro (NM_001379516.1); c.539-63754T>C (NM_001379515.1); short protein forms L320P, L82P.
Identifiers: ClinVar variation 800520 (VCV000800520.1), dbSNP rs1584729488, ClinGen allele CA368940000.